The following is an entry in ClinVar:

ClinVar aggregate classification (germline): Conflicting classifications of pathogenicity. Review status: criteria provided, conflicting classifications (1 of 4 stars). 3 submissions from 3 submitters: Uncertain significance (2); Benign (1). Last evaluated 2026-01-26.

Conditions:
Brachydactyly type A1. Also called: FARABEE-TYPE BRACHYDACTYLY; SHORT STATURE WITH NONSPECIFIC SKELETAL ABNORMALITIES 2. Identifiers: Orphanet 93388, MedGen C1862151, MONDO:0007215, OMIM 112500, HP:0009371.

Allele frequency attached by ClinVar (database versions not stated): ExAC 0.00007; gnomAD exomes 0.00008; gnomAD 0.00015 and 0.00017; 1000 Genomes Project 0.00020; TOPMed 0.00022; 1000 Genomes Project 30x 0.00031.

Submissions (3):

Labcorp Genetics (formerly Invitae), Labcorp
Classification: Uncertain significance. Last evaluated: 2026-01-26. Review status: criteria provided, single submitter. Criteria: Invitae Variant Classification Sherloc (09022015). Collection method: clinical testing. Allele origin: germline.
Comment: This sequence change replaces proline, which is neutral and non-polar, with leucine, which is neutral and non-polar, at codon 377 of the IHH protein (p.Pro377Leu). The frequency data for this variant in the population databases is considered unreliable, as metrics indicate poor data quality at this position in the gnomAD database. This variant has not been reported in the literature in individuals affected with IHH-related conditions. ClinVar contains an entry for this variant (Variation ID: 898207). Invitae Evidence Modeling of protein sequence and biophysical properties (such as structural, functional, and spatial information, amino acid conservation, physicochemical variation, residue mobility, and thermodynamic stability) indicates that this missense variant is not expected to disrupt IHH protein function with a negative predictive value of 80%. In summary, the available evidence is currently insufficient to determine the role of this variant in disease. Therefore, it has been classified as a Variant of Uncertain Significance.

Women's Health and Genetics/Laboratory Corporation of America, LabCorp
Classification: Uncertain significance. Last evaluated: 2025-04-22. Review status: criteria provided, single submitter. Criteria: LabCorp Variant Classification Summary - May 2015. Collection method: clinical testing. Allele origin: germline.
Comment: Variant summary: IHH c.1130C>T (p.Pro377Leu) results in a non-conservative amino acid change in the encoded protein sequence. Three of five in-silico tools predict a benign effect of the variant on protein function. The variant allele was found at a frequency of 8.5e-05 in 248454 control chromosomes. This frequency is not significantly higher than estimated for a pathogenic variant in IHH causing IHH-Related Disorders, allowing no conclusion about variant significance. To our knowledge, no occurrence of c.1130C>T in individuals affected with IHH-Related Disorders and no experimental evidence demonstrating its impact on protein function have been reported. ClinVar contains an entry for this variant (Variation ID: 898207). Based on the evidence outlined above, the variant was classified as uncertain significance.

Illumina Laboratory Services, Illumina
Classification: Benign for Brachydactyly type A1. Last evaluated: 2018-01-12. Review status: criteria provided, single submitter. Criteria: ICSL Variant Classification Criteria 13 December 2019. Collection method: clinical testing. Allele origin: germline.
Comment: This variant was observed in the ICSL laboratory as part of a predisposition screen in an ostensibly healthy population. It had not been previously curated by ICSL or reported in the Human Gene Mutation Database (HGMD: prior to June 1st, 2018), and was therefore a candidate for classification through an automated scoring system. Utilizing variant allele frequency, disease prevalence and penetrance estimates, and inheritance mode, an automated score was calculated to assess if this variant is too frequent to cause the disease. Based on the score and internal cut-off values, a variant classified as benign is not then subjected to further curation. The score for this variant resulted in a classification of benign for this disease.

NM_002181.4(IHH):c.1130C>T (p.Pro377Leu)

Gene: IHH (Indian hedgehog signaling molecule; minus strand). Cytogenetic location: 2q35.
Variant type: single nucleotide variant.
Coding change: c.1130C>T on transcript NM_002181.4 (MANE Select); coding-DNA position 1130, C replaced by T.
Protein change: p.Pro377Leu; replaces proline 377 with leucine.
Molecular consequence: missense variant.
Genome position (GRCh38, 1-based): chr2:219,055,313, G>A on the plus strand (C>T on the coding strand, the complement: IHH is on the minus strand). VCF-style: chr2-219055313-G-A. GRCh37 (hg19) VCF-style: chr2-219920035-G-A.
Other names: short protein forms P377L.
Identifiers: ClinVar variation 898207 (VCV000898207.11), dbSNP rs532767918, ClinGen allele CA2116528.